The following is an entry in ClinVar:

NM_000282.4(PCCA):c.797A>C (p.Asn266Thr)

Gene: PCCA (propionyl-CoA carboxylase subunit alpha; plus strand). Cytogenetic location: 13q32.3.
Variant type: single nucleotide variant.
Coding change: c.797A>C on transcript NM_000282.4 (MANE Select); coding-DNA position 797, A replaced by C.
Protein change: p.Asn266Thr; replaces asparagine 266 with threonine.
Molecular consequence: missense variant. On other transcripts: non-coding transcript variant (5), 5 prime UTR variant (3).
Genome position (GRCh38, 1-based): chr13:100,262,809, A>C. VCF-style: chr13-100262809-A-C. GRCh37 (hg19) VCF-style: chr13-100915063-A-C.
Other names: c.-149A>C (NM_001352611.2, NM_001352612.2, NM_001352610.2); c.719A>C, p.Asn240Thr (NM_001127692.3, NM_001352607.2, NM_001352608.2); c.797A>C, p.Asn266Thr (NM_001178004.2, NM_001352605.2, NM_001352606.2 and 1 more transcripts); c.797A>C (NM_000282.3); short protein forms N240T, N266T.
Identifiers: ClinVar variation 1523816 (VCV001523816.9), dbSNP rs2152564988, ClinGen allele CA388694386.

ClinVar aggregate classification (germline): Uncertain significance. Review status: criteria provided, multiple submitters, no conflicts (2 of 4 stars). 2 submissions from 2 submitters: Uncertain significance (2). Last evaluated 2022-10-13.

Conditions:
Inborn genetic diseases. Identifiers: MedGen C0950123, MeSH D030342.
Propionic acidemia (PROP). Also called: GLYCINEMIA, KETOTIC; HYPERGLYCINEMIA WITH KETOACIDOSIS AND LEUKOPENIA; KETOTIC HYPERGLYCINEMIA. Identifiers: Orphanet 35, MedGen C0268579, MONDO:0011628, OMIM 606054, HP:0003571.

Submissions (2):

Labcorp Genetics (formerly Invitae), Labcorp
Classification: Uncertain significance for Propionic acidemia. Last evaluated: 2022-10-13. Review status: criteria provided, single submitter. Criteria: Invitae Variant Classification Sherloc (09022015). Collection method: clinical testing. Allele origin: germline.
Comment: In summary, the available evidence is currently insufficient to determine the role of this variant in disease. Therefore, it has been classified as a Variant of Uncertain Significance. Advanced modeling of protein sequence and biophysical properties (such as structural, functional, and spatial information, amino acid conservation, physicochemical variation, residue mobility, and thermodynamic stability) has been performed at Invitae for this missense variant, however the output from this modeling did not meet the statistical confidence thresholds required to predict the impact of this variant on PCCA protein function. ClinVar contains an entry for this variant (Variation ID: 1523816). This variant has not been reported in the literature in individuals affected with PCCA-related conditions. This variant is not present in population databases (gnomAD no frequency). This sequence change replaces asparagine, which is neutral and polar, with threonine, which is neutral and polar, at codon 266 of the PCCA protein (p.Asn266Thr).

Ambry Genetics
Classification: Uncertain significance for Inborn genetic diseases. Last evaluated: 2021-10-06. Review status: criteria provided, single submitter. Criteria: Ambry Variant Classification Scheme 2023. Collection method: clinical testing. Allele origin: germline.